The following is an entry in ClinVar:

ClinVar aggregate classification (germline): Likely pathogenic (1 of 4 stars; one submission).

Conditions:
Congenital hypotrichosis with juvenile macular dystrophy (HJMD). Also called: HYPOTRICHOSIS WITH CONE-ROD DYSTROPHY. Identifiers: Orphanet 1573, MedGen C1832162, MONDO:0011107, OMIM 601553.
EEM syndrome (EEMS). Identifiers: Orphanet 1897, MedGen C1857041, MONDO:0009155, OMIM 225280.

Submission:

Juno Genomics, Hangzhou Juno Genomics, Inc
Classification: Likely pathogenic for EEM syndrome; Congenital hypotrichosis with juvenile macular dystrophy. Review status: criteria provided, single submitter. Criteria: ACMG Guidelines, 2015. Collection method: clinical testing. Allele origin: germline.
Comment: Null variant in a gene where loss of function (LOF) is a known mechanism of disease.;Absent from controls (or at extremely low frequency if recessive) in Genome Aggregation Database.

NM_001793.6(CDH3):c.133dup (p.Gln45fs)

Genes: CDH3 (cadherin 3; plus strand), CDH3-AS1 (CDH3 antisense RNA 1; minus strand). Cytogenetic location: 16q22.1.
Variant type: Duplication.
Coding change: c.133dup on transcript NM_001793.6 (MANE Select); coding-DNA position 133, one base duplicated (C; older notation c.133dupC).
Protein change: p.Gln45fs; shifts the reading frame from glutamine 45.
Molecular consequence: frameshift variant. On other transcripts: non-coding transcript variant (1), intron variant (1).
Genome position (GRCh38, 1-based): chr16:68,645,723, C duplicated. VCF-style (leftmost placement, unchanged base first): chr16-68645722-G-GC. GRCh37 (hg19) VCF-style: chr16-68679625-G-GC.
Other names: c.133dup, p.Gln45fs (NM_001317195.3); c.-6+299dup (NM_001317196.2); short protein forms Q45fs.
Identifiers: ClinVar variation 5005618 (VCV005005618.2).